The following is an entry in ClinVar:

ClinVar aggregate classification (germline): Likely pathogenic. Review status: criteria provided, multiple submitters, no conflicts (2 of 4 stars). 3 submissions from 3 submitters: Likely pathogenic (3). Last evaluated 2026-02-27.

Conditions:
Rare genetic deafness. Identifiers: Orphanet 96210, MedGen C5680250.

Allele frequency attached by ClinVar (database versions not stated): gnomAD exomes 0.00001; TOPMed 0.00001; gnomAD 0.00001.
gnomAD v4.1: 9 of 1,614,066 alleles (0.00056%); highest among the groups gnomAD compares: Non-Finnish European, 0.00076%; no homozygotes.

Submissions (3):

GeneDx
Classification: Likely pathogenic. Last evaluated: 2026-02-27. Review status: criteria provided, single submitter. Criteria: GeneDx Variant Classification Process June 2021. Collection method: clinical testing. Allele origin: germline.
Comment: Canonical splice site variant predicted to result in a null allele in a gene for which loss-of-function is a known mechanism of disease; Not observed at significant frequency in large population cohorts (gnomAD); Has not been previously published as pathogenic or benign to our knowledge

Labcorp Genetics (formerly Invitae), Labcorp
Classification: Likely pathogenic. Last evaluated: 2022-05-15. Review status: criteria provided, single submitter. Criteria: Invitae Variant Classification Sherloc (09022015). Collection method: clinical testing. Allele origin: germline.
Comment: In summary, the currently available evidence indicates that the variant is pathogenic, but additional data are needed to prove that conclusively. Therefore, this variant has been classified as Likely Pathogenic. Algorithms developed to predict the effect of sequence changes on RNA splicing suggest that this variant may disrupt the consensus splice site. ClinVar contains an entry for this variant (Variation ID: 228295). This variant has not been reported in the literature in individuals affected with TECTA-related conditions. This variant is not present in population databases (gnomAD no frequency). This sequence change affects an acceptor splice site in intron 20 of the TECTA gene. It is expected to disrupt RNA splicing. Variants that disrupt the donor or acceptor splice site typically lead to a loss of protein function (PMID: 16199547), and loss-of-function variants in TECTA are known to be pathogenic (PMID: 11087000, 12746400, 17431902, 24130743).

Laboratory for Molecular Medicine, Mass General Brigham Personalized Medicine
Classification: Likely pathogenic for Rare genetic deafness. Last evaluated: 2015-03-04. Review status: criteria provided, single submitter. Criteria: LMM Criteria. Collection method: clinical testing. Allele origin: germline. Inheritance: Autosomal recessive inheritance. Observed: 1 variant allele.
Comment: The c.6163-2A>T variant in TECTA has not been previously reported in individuals with hearing loss and was absent from large population studies. This variant oc curs in the invariant region (+/- 1/2) of the splice consensus sequence and is p redicted to cause altered splicing leading to an abnormal or absent protein. Var iants in TECTA have been associated with both autosomal recessive and autosomal dominant nonsyndromic hearing loss, with recessive variants primarily loss of fu nction and dominant typically missense variants. In summary, although additional studies are required to fully establish its clinical significance, this variant is likely pathogenic for autosomal recessive nonsyndromic hearing loss based on its predicted impact to splicing.

Literature cited by the submitters: PubMed 16199547 (cited by Labcorp Genetics (formerly Invitae), Labcorp); PubMed 11087000 (cited by Labcorp Genetics (formerly Invitae), Labcorp); PubMed 12746400 (cited by Labcorp Genetics (formerly Invitae), Labcorp); PubMed 17431902 (cited by Labcorp Genetics (formerly Invitae), Labcorp); PubMed 24130743 (cited by Labcorp Genetics (formerly Invitae), Labcorp).

NM_005422.4(TECTA):c.6163-2A>T

Genes: TBCEL-TECTA (TBCEL-TECTA readthrough; plus strand), TECTA (tectorin alpha; plus strand). Cytogenetic location: 11q23.3.
Variant type: single nucleotide variant.
Coding change: c.6163-2A>T on transcript NM_005422.4 (MANE Select); the canonical splice acceptor site of the intron before coding-DNA position 6163, A replaced by T.
Molecular consequence: splice acceptor variant.
Genome position (GRCh38, 1-based): chr11:121,189,078, A>T. VCF-style: chr11-121189078-A-T. GRCh37 (hg19) VCF-style: chr11-121059787-A-T.
Other names: c.7105-2A>T (NM_001378761.1).
Identifiers: ClinVar variation 228295 (VCV000228295.11), dbSNP rs876657661, ClinGen allele CA10576840.
Genomic context (GRCh38, chr11:121,189,078, plus strand): 5'-GGTGAAGAATAAGTTATCAGCTTAATTGTGTGAAAATTTCCCCCTGGTATTCTGTCTTGC[A>T]GACTTGCCCACACAATTCCAGGATTGCCACAGATTACACAAAAGAGCCCAAAGAACAGAT-3'